The following is an entry in ClinVar:

ClinVar aggregate classification (germline): Uncertain significance (1 of 4 stars; one submission).

Conditions:
Hereditary cancer-predisposing syndrome. Also called: Tumor predisposition; Neoplastic Syndromes, Hereditary; Hereditary Cancer Syndrome; Hereditary neoplastic syndrome. Identifiers: Orphanet 140162, MedGen C0027672, MeSH D009386, MONDO:0015356.

Submission:

Ambry Genetics
Classification: Uncertain significance for Hereditary cancer-predisposing syndrome. Last evaluated: 2024-06-30. Review status: criteria provided, single submitter. Criteria: Ambry Variant Classification Scheme 2023. Collection method: clinical testing. Allele origin: germline.
Comment: The p.V547G variant (also known as c.1640T>G), located in coding exon 9 of the DICER1 gene, results from a T to G substitution at nucleotide position 1640. The valine at codon 547 is replaced by glycine, an amino acid with dissimilar properties. This amino acid position is conserved. In addition, this alteration is predicted to be deleterious by in silico analysis. Based on the available evidence, the clinical significance of this variant remains unclear.

NM_177438.3(DICER1):c.1640T>G (p.Val547Gly)

Gene: DICER1 (dicer 1, ribonuclease III; minus strand). Cytogenetic location: 14q32.13.
Variant type: single nucleotide variant.
Coding change: c.1640T>G on transcript NM_177438.3 (MANE Select); coding-DNA position 1640, T replaced by G.
Protein change: p.Val547Gly; replaces valine 547 with glycine.
Molecular consequence: missense variant. On other transcripts: 5 prime UTR variant (1), non-coding transcript variant (6).
Genome position (GRCh38, 1-based): chr14:95,116,565, A>C on the plus strand (T>G on the coding strand, the complement: DICER1 is on the minus strand). VCF-style: chr14-95116565-A-C. GRCh37 (hg19) VCF-style: chr14-95582902-A-C.
Other names: c.1640T>G, p.Val547Gly (NM_001195573.1, NM_001271282.3, NM_001291628.2 and 12 more transcripts); c.1358T>G, p.Val453Gly (NM_001395686.1); c.1235T>G, p.Val412Gly (NM_001395687.1, NM_001395688.1, NM_001395689.1 and 3 more transcripts); c.1073T>G, p.Val358Gly (NM_001395691.1); c.-44T>G (NM_001395697.1); short protein forms V358G, V547G, V412G, V453G.
Identifiers: ClinVar variation 3501840 (VCV003501840.1).